The following is an entry in ClinVar:

ClinVar aggregate classification (germline): Uncertain significance. Review status: criteria provided, single submitter (1 of 4 stars). 2 submissions from 2 submitters: Uncertain significance (1). 1 of the submissions does not count toward it. Last evaluated 2023-12-01.

Conditions:
Frontotemporal dementia (FTD1). Also called: WILHELMSEN-LYNCH DISEASE; FRONTOTEMPORAL DEMENTIA WITH PARKINSONISM; FRONTOTEMPORAL LOBE DEMENTIA; Frontotemporal lobe dementia (FLDEM); FRONTOTEMPORAL LOBAR DEGENERATION WITH TAU INCLUSIONS; FTLD WITH TAU INCLUSIONS. Identifiers: Orphanet 282, MedGen C0338451, MONDO:0017276, OMIM 600274, HP:0002145.

gnomAD v4.1: 29 of 1,614,012 alleles (0.0018%); highest among the groups gnomAD compares: South Asian, 0.0022%; no homozygotes.

Submissions (2):

Labcorp Genetics (formerly Invitae), Labcorp
Classification: Uncertain significance. Last evaluated: 2023-12-01. Review status: criteria provided, single submitter. Criteria: Invitae Variant Classification Sherloc (09022015). Collection method: clinical testing. Allele origin: germline.
Comment: This sequence change replaces arginine, which is basic and polar, with histidine, which is basic and polar, at codon 1112 of the ERBB4 protein (p.Arg1112His). This variant is present in population databases (no rsID available, gnomAD 0.002%). This missense change has been observed in individual(s) with ERBB4-related conditions (PMID: 35873773). ClinVar contains an entry for this variant (Variation ID: 1344516). An algorithm developed to predict the effect of missense changes on protein structure and function (PolyPhen-2) suggests that this variant is likely to be tolerated. In summary, the available evidence is currently insufficient to determine the role of this variant in disease. Therefore, it has been classified as a Variant of Uncertain Significance.

Guerreiro-Bras Laboratory, Van Andel Institute
Classification: Likely pathogenic for Frontotemporal dementia. Last evaluated: 2022-02-02. Review status: no assertion criteria provided. Collection method: research. Allele origin: unknown. Affected: yes. Not counted in ClinVar's aggregate classification.

Literature cited by the submitters: PubMed 35873773 (cited by Labcorp Genetics (formerly Invitae), Labcorp).

NM_005235.3(ERBB4):c.3335G>A (p.Arg1112His)

Gene: ERBB4 (erb-b2 receptor tyrosine kinase 4; minus strand). Cytogenetic location: 2q34.
Variant type: single nucleotide variant.
Coding change: c.3335G>A on transcript NM_005235.3 (MANE Select); coding-DNA position 3335, G replaced by A.
Protein change: p.Arg1112His; replaces arginine 1112 with histidine.
Molecular consequence: missense variant.
Genome position (GRCh38, 1-based): chr2:211,386,999, C>T on the plus strand (G>A on the coding strand, the complement: ERBB4 is on the minus strand). VCF-style: chr2-211386999-C-T. GRCh37 (hg19) VCF-style: chr2-212251724-C-T.
Other names: c.3287G>A, p.Arg1096His (NM_001042599.2); short protein forms R1096H, R1112H.
Identifiers: ClinVar variation 1344516 (VCV001344516.6), dbSNP rs770460785, ClinGen allele CA350780709.